The following is an entry in ClinVar:

ClinVar aggregate classification (germline): Pathogenic (1 of 4 stars; one submission).

Conditions:
Glycogen storage disease, type II (IOPD). Also called: Glycogen storage disease type 2; Acid maltase deficiency disease; Aglucosidase alfa; Deficiency of alpha-glucosidase; Deficiency of lysosomal alpha-glucosidase; Glucosidase acid-1,4-alpha deficiency. Identifiers: Orphanet 365, MedGen C0017921, MONDO:0009290, OMIM 232300.

gnomAD v4.1: 1 of 1,607,584 alleles (0.000062%); highest among the groups gnomAD compares: South Asian, 0.0011%; no homozygotes.

Submission:

Labcorp Genetics (formerly Invitae), Labcorp
Classification: Pathogenic for Glycogen storage disease, type II. Last evaluated: 2022-05-10. Review status: criteria provided, single submitter. Criteria: Invitae Variant Classification Sherloc (09022015). Collection method: clinical testing. Allele origin: germline.
Comment: This sequence change creates a premature translational stop signal (p.Gln429*) in the GAA gene. It is expected to result in an absent or disrupted protein product. Loss-of-function variants in GAA are known to be pathogenic (PMID: 18425781, 22252923). For these reasons, this variant has been classified as Pathogenic. This variant has not been reported in the literature in individuals affected with GAA-related conditions. This variant is present in population databases (no rsID available, gnomAD 0.003%).

Literature cited by the submitters: PubMed 18425781; PubMed 22252923.

NM_000152.5(GAA):c.1285C>T (p.Gln429Ter)

Gene: GAA (alpha glucosidase; plus strand). Cytogenetic location: 17q25.3.
Variant type: single nucleotide variant.
Coding change: c.1285C>T on transcript NM_000152.5 (MANE Select); coding-DNA position 1285, C replaced by T.
Protein change: p.Gln429Ter; replaces glutamine 429 with a stop codon.
Molecular consequence: nonsense.
Genome position (GRCh38, 1-based): chr17:80,108,787, C>T. VCF-style: chr17-80108787-C-T. GRCh37 (hg19) VCF-style: chr17-78082586-C-T.
Other names: c.1285C>T, p.Gln429Ter (NM_001079803.3, NM_001079804.3, NM_001406741.1 and 1 more transcripts); short protein forms Q429*.
Identifiers: ClinVar variation 1992776 (VCV001992776.4), dbSNP rs528369909, ClinGen allele CA401365353.